The following is an entry in ClinVar:

NM_004958.4(MTOR):c.1358C>T (p.Pro453Leu)

Gene: MTOR (mechanistic target of rapamycin kinase; minus strand). Cytogenetic location: 1p36.22.
Variant type: single nucleotide variant.
Coding change: c.1358C>T on transcript NM_004958.4 (MANE Select); coding-DNA position 1358, C replaced by T.
Protein change: p.Pro453Leu; replaces proline 453 with leucine.
Molecular consequence: missense variant.
Genome position (GRCh38, 1-based): chr1:11,243,168, G>A on the plus strand (C>T on the coding strand, the complement: MTOR is on the minus strand). VCF-style: chr1-11243168-G-A. GRCh37 (hg19) VCF-style: chr1-11303225-G-A.
Other names: c.1358C>T, p.Pro453Leu (NM_001386500.1); c.110C>T, p.Pro37Leu (NM_001386501.1); short protein forms P453L, P37L.
Identifiers: ClinVar variation 3633502 (VCV003633502.2).
Genomic context (GRCh38, chr1:11,243,168, plus strand): 5'-GCTTACTTATGGGCGAAGTCCTTTGGGGGCAGGGCCGCTCGGATGATGTCCAGCACGCGA[G>A]GCAAATAGACCTTAAACTCAGACCTCACAGCCACAGAAAGTAGCCCCAGGGCTTGGAAGG-3'
Protein context (NP_004949.1, residues 443-463): AVRSEFKVYL[Pro453Leu]RVLDIIRAAL

ClinVar aggregate classification (germline): Uncertain significance (1 of 4 stars; one submission).

Submission:

Labcorp Genetics (formerly Invitae), Labcorp
Classification: Uncertain significance. Last evaluated: 2025-12-19. Review status: criteria provided, single submitter. Criteria: Invitae Variant Classification Sherloc (09022015). Collection method: clinical testing. Allele origin: germline.
Comment: This sequence change replaces proline, which is neutral and non-polar, with leucine, which is neutral and non-polar, at codon 453 of the MTOR protein (p.Pro453Leu). This variant is not present in population databases (gnomAD no frequency). This variant has not been reported in the literature in individuals affected with MTOR-related conditions. ClinVar contains an entry for this variant (Variation ID: 3633502). Invitae Evidence Modeling of protein sequence and biophysical properties (such as structural, functional, and spatial information, amino acid conservation, physicochemical variation, residue mobility, and thermodynamic stability) indicates that this missense variant is not expected to disrupt MTOR protein function with a negative predictive value of 95%. In summary, the available evidence is currently insufficient to determine the role of this variant in disease. Therefore, it has been classified as a Variant of Uncertain Significance.